The following is an entry in ClinVar:

NM_001244926.2(PRPF4):c.808G>A (p.Gly270Arg)

Gene: PRPF4 (pre-mRNA splicing tri-snRNP complex factor PRPF4; plus strand). Cytogenetic location: 9q32.
Variant type: single nucleotide variant.
Coding change: c.808G>A on transcript NM_001244926.2 (MANE Select); coding-DNA position 808, G replaced by A.
Protein change: p.Gly270Arg; replaces glycine 270 with arginine.
Molecular consequence: missense variant. On other transcripts: non-coding transcript variant (2).
Genome position (GRCh38, 1-based): chr9:113,286,290, G>A. VCF-style: chr9-113286290-G-A. GRCh37 (hg19) VCF-style: chr9-116048570-G-A.
Other names: c.82G>A, p.Gly28Arg (NM_001322266.2, NM_001322267.2); c.811G>A, p.Gly271Arg (NM_004697.5); short protein forms G270R, G271R, G28R.
Identifiers: ClinVar variation 2127243 (VCV002127243.4), dbSNP rs1822492380, ClinGen allele CA374553896.
Genomic context (GRCh38, chr9:113,286,290, plus strand): 5'-AGGAGTGGGCTTTGCAAGCTCTGGTCTGTTCCTGATTGCAACCTCCTTCACACTCTTCGA[G>A]GTAAGTTAGAGTCTTATCCAAATCTCGGTCTTTTTCCCAGTGTGAACTCAGTTAAGCCTT-3'
Protein context (NP_001231855.1, residues 260-280): PDCNLLHTLR[Gly270Arg]HNTNVGAIVF

ClinVar aggregate classification (germline): Uncertain significance (1 of 4 stars; one submission).

Allele frequency attached by ClinVar (database versions not stated): gnomAD exomes below 0.00001.

Submission:

Labcorp Genetics (formerly Invitae), Labcorp
Classification: Uncertain significance. Last evaluated: 2023-09-17. Review status: criteria provided, single submitter. Criteria: Invitae Variant Classification Sherloc (09022015). Collection method: clinical testing. Allele origin: germline.
Comment: This sequence change replaces glycine, which is neutral and non-polar, with arginine, which is basic and polar, at codon 271 of the PRPF4 protein (p.Gly271Arg). This variant also falls at the last nucleotide of exon 8, which is part of the consensus splice site for this exon. This variant is not present in population databases (gnomAD no frequency). This variant has not been reported in the literature in individuals affected with PRPF4-related conditions. ClinVar contains an entry for this variant (Variation ID: 2127243). An algorithm developed to predict the effect of missense changes on protein structure and function (PolyPhen-2) suggests that this variant is likely to be disruptive. Variants that disrupt the consensus splice site are a relatively common cause of aberrant splicing (PMID: 17576681, 9536098). In summary, the available evidence is currently insufficient to determine the role of this variant in disease. Therefore, it has been classified as a Variant of Uncertain Significance.

Literature cited by the submitters: PubMed 17576681; PubMed 9536098.